The following is an entry in ClinVar:

ClinVar aggregate classification (germline): Pathogenic (1 of 4 stars; one submission).

Submission:

Labcorp Genetics (formerly Invitae), Labcorp
Classification: Pathogenic. Last evaluated: 2023-09-06. Review status: criteria provided, single submitter. Criteria: Invitae Variant Classification Sherloc (09022015). Collection method: clinical testing. Allele origin: germline.
Comment: For these reasons, this variant has been classified as Pathogenic. This variant has not been reported in the literature in individuals affected with FLVCR1-related conditions. This variant is present in population databases (rs780794381, gnomAD 0.007%). This sequence change creates a premature translational stop signal (p.Leu476Cysfs*28) in the FLVCR1 gene. It is expected to result in an absent or disrupted protein product. Loss-of-function variants in FLVCR1 are known to be pathogenic (PMID: 23591405, 27923065).

Literature cited by the submitters: PubMed 23591405; PubMed 27923065.

NM_014053.4(FLVCR1):c.1427del (p.Leu476fs)

Gene: FLVCR1 (FLVCR choline and heme transporter 1; plus strand). Cytogenetic location: 1q32.3.
Variant type: Deletion.
Coding change: c.1427del on transcript NM_014053.4 (MANE Select); coding-DNA position 1427, one base deleted (T; older notation c.1427delT).
Protein change: p.Leu476fs; shifts the reading frame from leucine 476.
Molecular consequence: frameshift variant.
Genome position (GRCh38, 1-based): chr1:212,889,159, T deleted; the last of 4 consecutive T bases (chr1:212,889,156-212,889,159); deleting any one gives the same sequence. VCF-style (leftmost placement, unchanged base first): chr1-212889155-AT-A. GRCh37 (hg19) VCF-style: chr1-213062497-AT-A.
Other names: short protein forms L476fs.
Identifiers: ClinVar variation 3010005 (VCV003010005.3), dbSNP rs780794381, ClinGen allele CA1386150.
Genomic context (GRCh38, chr1:212,889,155, plus strand): 5'-GCTTTAAATAATTTAACTTAATAACGAATGATTTTTCTTATTGTATTTTAGATATTTGGA[AT>A]TTTGTTCACATTGGCTCAAGGAAAGCTCACATCAGACTATGGTCCTAAGGCAGGGAACAT-3'